The following is an entry in ClinVar:

ClinVar aggregate classification (germline): Uncertain significance (1 of 4 stars; one submission).

Conditions:
STRC-related disorder. Also called: STRC-related condition.

Submission:

PreventionGenetics, part of Exact Sciences
Classification: Uncertain significance for STRC-related condition. Last evaluated: 2025-02-17. Review status: criteria provided, single submitter. Criteria: ACMG Guidelines, 2015. Collection method: clinical testing. Allele origin: germline.
Comment: The STRC c.4214C>T variant is predicted to result in the amino acid substitution p.Pro1405Leu. To our knowledge, this variant has not been reported in the literature or in a large population database (gnomAD), indicating this variant is rare. At this time, the clinical significance of this variant is uncertain due to the absence of conclusive functional and genetic evidence.

NM_153700.2(STRC):c.4214C>T (p.Pro1405Leu)

Gene: STRC (stereocilin; minus strand). Cytogenetic location: 15q15.3.
Variant type: single nucleotide variant.
Coding change: c.4214C>T on transcript NM_153700.2 (MANE Select); coding-DNA position 4214, C replaced by T.
Protein change: p.Pro1405Leu; replaces proline 1405 with leucine.
Molecular consequence: missense variant.
Genome position (GRCh38, 1-based): chr15:43,604,365, G>A on the plus strand (C>T on the coding strand, the complement: STRC is on the minus strand). VCF-style: chr15-43604365-G-A. GRCh37 (hg19) VCF-style: chr15-43896563-G-A.
Other names: short protein forms P1405L.
Identifiers: ClinVar variation 5000149 (VCV005000149.1).